The following is an entry in ClinVar:

ClinVar aggregate classification (germline): Uncertain significance (1 of 4 stars; one submission).

Conditions:
Spermatogenic failure 18. Identifiers: MedGen C4539783, MONDO:0054615, OMIM 617576.
Ciliary dyskinesia, primary, 37 (CILD37). Also called: CILIARY DYSKINESIA, PRIMARY, 37, WITH OR WITHOUT SITUS INVERSUS. Identifiers: MedGen C4539798, MONDO:0033204, OMIM 617577.

gnomAD v4.1: 3 of 1,613,172 alleles (0.00019%); highest among the groups gnomAD compares: Non-Finnish European, 0.00025%; no homozygotes.

Submission:

Labcorp Genetics (formerly Invitae), Labcorp
Classification: Uncertain significance for Ciliary dyskinesia, primary, 37; Spermatogenic failure 18. Last evaluated: 2020-10-22. Review status: criteria provided, single submitter. Criteria: Invitae Variant Classification Sherloc (09022015). Collection method: clinical testing. Allele origin: germline.
Comment: This variant is not present in population databases (ExAC no frequency). This sequence change replaces alanine with aspartic acid at codon 162 of the DNAH1 protein (p.Ala162Asp). The alanine residue is weakly conserved and there is a moderate physicochemical difference between alanine and aspartic acid. In summary, the available evidence is currently insufficient to determine the role of this variant in disease. Therefore, it has been classified as a Variant of Uncertain Significance. Algorithms developed to predict the effect of missense changes on protein structure and function are either unavailable or do not agree on the potential impact of this missense change (SIFT: "Deleterious"; PolyPhen-2: "Benign"; Align-GVGD: "Class C0"). This variant has not been reported in the literature in individuals with DNAH1-related conditions.

NM_015512.5(DNAH1):c.485C>A (p.Ala162Asp)

Gene: DNAH1 (dynein axonemal heavy chain 1; plus strand). Cytogenetic location: 3p21.1.
Variant type: single nucleotide variant.
Coding change: c.485C>A on transcript NM_015512.5 (MANE Select); coding-DNA position 485, C replaced by A.
Protein change: p.Ala162Asp; replaces alanine 162 with aspartic acid.
Molecular consequence: missense variant.
Genome position (GRCh38, 1-based): chr3:52,326,218, C>A. VCF-style: chr3-52326218-C-A. GRCh37 (hg19) VCF-style: chr3-52360234-C-A.
Other names: short protein forms A162D.
Identifiers: ClinVar variation 1008943 (VCV001008943.5), dbSNP rs993782683, ClinGen allele CA353087249.